The following is an entry in ClinVar:

NM_001042492.3(NF1):c.4404del (p.Ser1470fs)

Gene: NF1 (neurofibromin 1; plus strand). Cytogenetic location: 17q11.2.
Variant type: Deletion.
Coding change: c.4404del on transcript NM_001042492.3 (MANE Select); coding-DNA position 4404, one base deleted (G; older notation c.4404delG).
Protein change: p.Ser1470fs; shifts the reading frame from serine 1470.
Molecular consequence: frameshift variant.
Genome position (GRCh38, 1-based): chr17:31,259,103, G deleted. VCF-style (leftmost placement, unchanged base first): chr17-31259102-TG-T. GRCh37 (hg19) VCF-style: chr17-29586120-TG-T.
Other names: c.4341delG (NM_000267.3); c.4341delG, p.Ser1449Alafs (NM_000267.4); short protein forms S1470fs, S1449fs.
Identifiers: ClinVar variation 654170 (VCV000654170.5), dbSNP rs1597745728, ClinGen allele CA915949649.

ClinVar aggregate classification (germline): Pathogenic (1 of 4 stars; one submission).

Conditions:
Neurofibromatosis, type 1 (NF1). Also called: VON RECKLINGHAUSEN DISEASE; NEUROFIBROMATOSIS, TYPE I, SOMATIC; Peripheral type neurofibromatosis; Neurofibromatosis, type I. Identifiers: Orphanet 636, MedGen C0027831, MONDO:0018975, OMIM 162200. Disease mechanism: loss of function.

Submission:

Labcorp Genetics (formerly Invitae), Labcorp
Classification: Pathogenic for Neurofibromatosis, type 1. Last evaluated: 2022-03-05. Review status: criteria provided, single submitter. Criteria: Invitae Variant Classification Sherloc (09022015). Collection method: clinical testing. Allele origin: germline.
Comment: This sequence change creates a premature translational stop signal (p.Ser1449Alafs*13) in the NF1 gene. It is expected to result in an absent or disrupted protein product. Loss-of-function variants in NF1 are known to be pathogenic (PMID: 10712197, 23913538). This variant is not present in population databases (gnomAD no frequency). This premature translational stop signal has been observed in individual(s) with neurofibromatosis type 1 (PMID: 30530636). ClinVar contains an entry for this variant (Variation ID: 654170). For these reasons, this variant has been classified as Pathogenic.

Literature cited by the submitters: PubMed 10712197; PubMed 23913538; PubMed 30530636.